The following is an entry in ClinVar:

NM_000255.4(MMUT):c.944dup (p.Tyr316fs)

Gene: MMUT (methylmalonyl-CoA mutase; minus strand). Cytogenetic location: 6p12.3.
Variant type: Duplication.
Coding change: c.944dup on transcript NM_000255.4 (MANE Select); coding-DNA position 944, one base duplicated (T; older notation c.944dupT).
Protein change: p.Tyr316fs; shifts the reading frame from tyrosine 316.
Molecular consequence: frameshift variant.
Genome position (GRCh38, 1-based): chr6:49,453,724, A duplicated on the plus strand (T on the coding strand, the reverse complement: MMUT is on the minus strand); the first of 3 consecutive A bases (chr6:49,453,724-49,453,726); duplicating any one gives the same sequence. VCF-style (leftmost placement, unchanged base first): chr6-49453723-G-GA. GRCh37 (hg19) VCF-style: chr6-49421436-G-GA.
Other names: short protein forms Y316fs.
Identifiers: ClinVar variation 3720699 (VCV003720699.2).

ClinVar aggregate classification (germline): Pathogenic (1 of 4 stars; one submission).

Submission:

Labcorp Genetics (formerly Invitae), Labcorp
Classification: Pathogenic. Last evaluated: 2024-02-29. Review status: criteria provided, single submitter. Criteria: Invitae Variant Classification Sherloc (09022015). Collection method: clinical testing. Allele origin: germline.
Comment: This sequence change creates a premature translational stop signal (p.Tyr316Leufs*11) in the MUT gene. It is expected to result in an absent or disrupted protein product. Loss-of-function variants in MUT are known to be pathogenic (PMID: 15781192). This variant is not present in population databases (gnomAD no frequency). This premature translational stop signal has been observed in individual(s) with methylmalonic acidemia (PMID: 31466887). For these reasons, this variant has been classified as Pathogenic.

Literature cited by the submitters: PubMed 15781192; PubMed 31466887.